The following is an entry in ClinVar:

NM_001110556.2(FLNA):c.4451A>G (p.Gln1484Arg)

Gene: FLNA (filamin A; minus strand). Cytogenetic location: Xq28.
Variant type: single nucleotide variant.
Coding change: c.4451A>G on transcript NM_001110556.2 (MANE Select); coding-DNA position 4451, A replaced by G.
Protein change: p.Gln1484Arg; replaces glutamine 1484 with arginine.
Molecular consequence: missense variant.
Genome position (GRCh38, 1-based): chrX:154,359,007, T>C on the plus strand (A>G on the coding strand, the complement: FLNA is on the minus strand). VCF-style: chrX-154359007-T-C. GRCh37 (hg19) VCF-style: chrX-153587375-T-C.
Other names: p.Q1484R:CAG>CGG; c.4451A>G, p.Gln1484Arg (NM_001456.4); short protein forms Q1484R.
Identifiers: ClinVar variation 190194 (VCV000190194.69), dbSNP rs200130356, ClinGen allele CA274737.

ClinVar aggregate classification (germline): Conflicting classifications of pathogenicity. Review status: criteria provided, conflicting classifications (1 of 4 stars). 20 submissions from 20 submitters: Uncertain significance (1); Benign (7); Likely benign (7). 5 of the submissions do not count toward it. Last evaluated 2026-08-01.

Conditions:
Connective tissue disorder. Also called: Connective tissue disease. Identifiers: MedGen C0009782, MONDO:0003900.
Heterotopia, periventricular, X-linked dominant (PVNH1). Also called: PERIVENTRICULAR NODULAR HETEROTOPIA 4; HETEROTOPIA, PERIVENTRICULAR, 1; PERIVENTRICULAR NODULAR HETEROTOPIA 1; X-linked periventricular heterotopia. Identifiers: Orphanet 2149, Orphanet 82004, MedGen C1848213, MONDO:0010233, OMIM 300049.
Oto-palato-digital syndrome, type II (OPD2). Also called: FACIOPALATOOSSEOUS SYNDROME; OPD II SYNDROME; Otopalatodigital Syndrome Type 2 (FLNA-OPD2); Otopalatodigital Syndrome, Type II. Identifiers: Orphanet 669, Orphanet 90652, MedGen C1844696, MONDO:0010571, OMIM 304120.
Frontometaphyseal dysplasia (FMD1). Identifiers: Orphanet 1826, MedGen C0265293, MONDO:0015942.
Melnick-Needles syndrome (MNS). Also called: MELNICK-NEEDLES OSTEODYSPLASTY; OSTEODYSPLASTY OF MELNICK AND NEEDLES; Melnick-Needles Syndrome (FLNA-MNS). Identifiers: Orphanet 2484, MedGen C0025237, MONDO:0010650, OMIM 309350.
Familial thoracic aortic aneurysm and aortic dissection (TAAD). Also called: Thoracic aortic aneurysms and dissections. Identifiers: Orphanet 91387, MedGen C4707243, MONDO:0019625.
Thrombocytopenia. Identifiers: MedGen C0040034, MeSH D013921, MONDO:0002049, HP:0001873.
Dilatation of aorta. Also called: Aortic dilatation. Identifiers: MedGen C0265004.

Allele frequency attached by ClinVar (database versions not stated): 1000 Genomes Project 30x 0.00021; 1000 Genomes Project 0.00053; TOPMed 0.00072; gnomAD 0.00081 and 0.00086; gnomAD exomes 0.00102 and 0.00144; ESP Exome Variant Server 0.00108; ExAC 0.00115.
gnomAD v4.1: 1,673 of 1,209,895 alleles (0.14%); highest among the groups gnomAD compares: Non-Finnish European, 0.17%; no homozygotes.

Submissions (20):

CeGaT Center for Human Genetics Tuebingen
Classification: Likely benign. Last evaluated: 2026-08-01. Review status: criteria provided, single submitter. Criteria: CeGaT Center For Human Genetics Tuebingen Variant Classification Criteria Version 2. Collection method: clinical testing. Allele origin: germline. Affected: yes. Observed: 18 variant alleles.
Comment: FLNA: BP4

Labcorp Genetics (formerly Invitae), Labcorp
Classification: Benign for Oto-palato-digital syndrome, type II; Heterotopia, periventricular, X-linked dominant; Frontometaphyseal dysplasia; Melnick-Needles syndrome. Last evaluated: 2026-01-24. Review status: criteria provided, single submitter. Criteria: Invitae Variant Classification Sherloc (09022015). Collection method: clinical testing. Allele origin: germline.

Blueprint Genetics
Classification: Likely benign. Last evaluated: 2024-11-28. Review status: criteria provided, single submitter. Criteria: ACMG Guidelines, 2015. Collection method: clinical testing. Allele origin: germline.

ARUP Laboratories, Molecular Genetics and Genomics, ARUP Laboratories
Classification: Likely benign. Last evaluated: 2023-10-12. Review status: criteria provided, single submitter. Criteria: ARUP Molecular Germline Variant Investigation Process 2024. Collection method: clinical testing. Allele origin: germline.

Women's Health and Genetics/Laboratory Corporation of America, LabCorp
Classification: Likely benign. Last evaluated: 2023-10-09. Review status: criteria provided, single submitter. Criteria: LabCorp Variant Classification Summary - May 2015. Collection method: clinical testing. Allele origin: germline.

Mayo Clinic Laboratories, Mayo Clinic
Classification: Benign. Last evaluated: 2023-06-22. Review status: criteria provided, single submitter. Criteria: ACMG Guidelines, 2015. Collection method: clinical testing. Allele origin: germline. Observed: 8 variant alleles.
Comment: BS1, BS2

GeneDx
Classification: Benign. Last evaluated: 2020-05-29. Review status: criteria provided, single submitter. Criteria: GeneDx Variant Classification Process June 2021. Collection method: clinical testing. Allele origin: germline. Affected: yes.
Comment: This variant is associated with the following publications: (PMID: 21836662, 28074886)

Mendelics
Classification: Benign for Heterotopia, periventricular, X-linked dominant. Last evaluated: 2019-05-28. Review status: criteria provided, single submitter. Criteria: Mendelics Assertion Criteria 2017. Collection method: clinical testing. Allele origin: unknown.

Ambry Genetics
Classification: Benign for Familial thoracic aortic aneurysm and aortic dissection. Last evaluated: 2017-08-07. Review status: criteria provided, single submitter. Criteria: Ambry Variant Classification Scheme 2023. Collection method: clinical testing. Allele origin: germline.

Athena Diagnostics
Classification: Likely benign. Last evaluated: 2016-11-30. Review status: criteria provided, single submitter. Criteria: Athena Diagnostics Criteria. Collection method: clinical testing. Allele origin: germline.

Center for Human Genetics, Inc
Classification: Likely benign for Connective tissue disorder. Last evaluated: 2016-11-01. Review status: criteria provided, single submitter. Criteria: ACMG Guidelines, 2015. Collection method: clinical testing. Allele origin: germline. Affected: yes.

Genetic Services Laboratory, University of Chicago
Classification: Benign. Last evaluated: 2016-08-26. Review status: criteria provided, single submitter. Criteria: ACMG Guidelines, 2015. Collection method: clinical testing. Allele origin: germline. Affected: no.

Eurofins Ntd Llc (ga)
Classification: Benign. Last evaluated: 2015-08-11. Review status: criteria provided, single submitter. Criteria: EGL Classification Definitions 2015. Collection method: clinical testing. Allele origin: germline. Observed: 4 variant alleles, 4 heterozygotes.

Claritas Genomics
Classification: Uncertain significance for periventricular nodular heterotopia. Last evaluated: 2013-03-04. Review status: criteria provided, single submitter. Criteria: ACMG Guidelines, 2007. Collection method: clinical testing. Allele origin: germline. Inheritance: X-linked inheritance.

ISTH-SSC Genomics in Thrombosis and Hemostasis, KU Leuven, Center for Molecular and Vascular Biology
Classification: Likely benign for Thrombocytopenia. Review status: criteria provided, single submitter. Criteria: ACMG Guidelines, 2015. Collection method: clinical testing. Allele origin: germline. Affected: yes and no. Observed: 2 heterozygotes, 1 hemizygote. Clinical features observed: Macrothrombocytopenia.
Comment: Submitted to the GoldVariant database by Dr Marie-Christine Morel-Kopp; Northern Blood Research Centre, Sydney, Australia

Clinical Molecular Genetics Laboratory, Johns Hopkins All Children's Hospital
Classification: Uncertain significance for Dilatation of aorta. Last evaluated: 2017-05-31. Review status: no assertion criteria provided. Collection method: clinical testing. Allele origin: germline. Affected: yes. Not counted in ClinVar's aggregate classification.

Clinical Genetics DNA and cytogenetics Diagnostics Lab, Erasmus MC, Erasmus Medical Center
Classification: Likely benign. Review status: no assertion criteria provided. Collection method: clinical testing. Allele origin: germline. Affected: yes. Study: VKGL Data-share Consensus. Not counted in ClinVar's aggregate classification.

Genome Diagnostics Laboratory, Amsterdam University Medical Center
Classification: Likely benign. Review status: no assertion criteria provided. Collection method: clinical testing. Allele origin: germline. Affected: yes. Study: VKGL Data-share Consensus. Not counted in ClinVar's aggregate classification.

Genome Diagnostics Laboratory, University Medical Center Utrecht
Classification: Likely benign. Review status: no assertion criteria provided. Collection method: clinical testing. Allele origin: germline. Affected: yes. Study: VKGL Data-share Consensus. Not counted in ClinVar's aggregate classification.

Joint Genome Diagnostic Labs from Nijmegen and Maastricht, Radboudumc and MUMC+
Classification: Likely benign. Review status: no assertion criteria provided. Collection method: clinical testing. Allele origin: germline. Affected: yes. Study: VKGL Data-share Consensus. Not counted in ClinVar's aggregate classification.

Literature cited by the submitters: PubMed 21836662 (cited by Ambry Genetics and Athena Diagnostics).